The following is an entry in ClinVar:

NM_001374828.1(ARID1B):c.6465C>T (p.Ser2155=)

Gene: ARID1B (AT-rich interaction domain 1B; plus strand). Cytogenetic location: 6q25.3.
Variant type: single nucleotide variant.
Coding change: c.6465C>T on transcript NM_001374828.1 (MANE Select); coding-DNA position 6465, C replaced by T.
Protein change: p.Ser2155=; no amino-acid change (serine 2155 retained).
Molecular consequence: synonymous variant.
Genome position (GRCh38, 1-based): chr6:157,207,237, C>T. VCF-style: chr6-157207237-C-T. GRCh37 (hg19) VCF-style: chr6-157528371-C-T.
Other names: c.6216C>T, p.Ser2072= (NM_001346813.1); c.3966C>T, p.Ser1322= (NM_001363725.2); c.6345C>T, p.Ser2115= (NM_001371656.1, NM_001374820.1); c.6306C>T, p.Ser2102= (NM_017519.3); c.6096C>T, p.Ser2032= (NM_020732.3); c.5883C>T, p.Ser1961= (NM_175863.2).
Identifiers: ClinVar variation 1751528 (VCV001751528.29), dbSNP rs752762142, ClinGen allele CA4068027.

ClinVar aggregate classification (germline): Likely benign. Review status: criteria provided, multiple submitters, no conflicts (2 of 4 stars). 3 submissions from 3 submitters: Likely benign (3). Last evaluated 2026-01-03.

Conditions:
Inborn genetic diseases. Identifiers: MedGen C0950123, MeSH D030342.

Allele frequency attached by ClinVar (database versions not stated): gnomAD 0.00002; gnomAD exomes 0.00002; ExAC 0.00003; TOPMed 0.00003.
gnomAD v4.1: 38 of 1,614,026 alleles (0.0024%); highest among the groups gnomAD compares: East Asian, 0.0045%; no homozygotes.

Submissions (3):

Labcorp Genetics (formerly Invitae), Labcorp
Classification: Likely benign. Last evaluated: 2026-01-03. Review status: criteria provided, single submitter. Criteria: Invitae Variant Classification Sherloc (09022015). Collection method: clinical testing. Allele origin: germline.

CeGaT Center for Human Genetics Tuebingen
Classification: Likely benign. Last evaluated: 2023-03-01. Review status: criteria provided, single submitter. Criteria: CeGaT Center For Human Genetics Tuebingen Variant Classification Criteria Version 2. Collection method: clinical testing. Allele origin: germline. Affected: yes. Observed: 1 variant allele.
Comment: ARID1B: BP4, BP7

Ambry Genetics
Classification: Likely benign for Inborn genetic diseases. Last evaluated: 2017-10-27. Review status: criteria provided, single submitter. Criteria: Ambry Variant Classification Scheme 2023. Collection method: clinical testing. Allele origin: germline.